The following is an entry in ClinVar:

ClinVar aggregate classification (germline): Likely pathogenic (1 of 4 stars; one submission).

Conditions:
Severe X-linked myotubular myopathy (CNMX). Also called: X-linked centronuclear myopathy; MYOTUBULAR MYOPATHY 1; Myotubular myopathy, X-linked. Identifiers: Orphanet 596, MedGen C0410203, MONDO:0010683, OMIM 310400.

Submission:

Labcorp Genetics (formerly Invitae), Labcorp
Classification: Likely pathogenic for Severe X-linked myotubular myopathy. Last evaluated: 2022-10-18. Review status: criteria provided, single submitter. Criteria: Invitae Variant Classification Sherloc (09022015). Collection method: clinical testing. Allele origin: germline.
Comment: In summary, the currently available evidence indicates that the variant is pathogenic, but additional data are needed to prove that conclusively. Therefore, this variant has been classified as Likely Pathogenic. This variant disrupts a region of the MTM1 protein in which other variant(s) (p.Trp346Cys) have been observed in individuals with MTM1-related conditions (PMID: 12522554). This suggests that this is a clinically significant region of the protein, and that variants that disrupt it are likely to be disease-causing. This variant is also known as 290del62. A similar copy number variant has been observed in individuals with X-linked myotubular myopathy (PMID: 10502779, 12522554). This variant is a gross deletion of the genomic region encompassing exon(s) 10 of the MTM1 gene. This variant would be expected to be in-frame, preserving the integrity of the reading frame.

Literature cited by the submitters: PubMed 12522554; PubMed 10502779.

NC_000023.10:g.(?_149818176)_(149818384_?)del

Gene: MTM1 (myotubularin 1; plus strand). Cytogenetic location: Xq28.
Variant type: Deletion.
Identifiers: ClinVar variation 2422670 (VCV002422670.5).